The following is an entry in ClinVar:

NM_000444.6(PHEX):c.1971C>G (p.Tyr657Ter)

Genes: PHEX (phosphate regulating endopeptidase X-linked; plus strand), PTCHD1-AS (PTCHD1 and PHEX antisense RNA; minus strand). Cytogenetic location: Xp22.11.
Variant type: single nucleotide variant.
Coding change: c.1971C>G on transcript NM_000444.6 (MANE Select); coding-DNA position 1971, C replaced by G.
Protein change: p.Tyr657Ter; replaces tyrosine 657 with a stop codon.
Molecular consequence: nonsense. On other transcripts: non-coding transcript variant (1).
Genome position (GRCh38, 1-based): chrX:22,227,512, C>G. VCF-style: chrX-22227512-C-G. GRCh37 (hg19) VCF-style: chrX-22245629-C-G.
Other names: c.1971C>G, p.Tyr657Ter (NM_001282754.2); short protein forms Y657*.
Identifiers: ClinVar variation 438575 (VCV000438575.11), dbSNP rs1556151071, ClinGen allele CA412574293.
Genomic context (GRCh38, chrX:22,227,512, plus strand): 5'-GCAAAGAGAAAAACCCACCGTTGCAGAGACTCATCTCTTCTTCTTCTCTCACCAGGCTTA[C>G]AGGAAATGGATAAATGACAGAAGGCAGGGACTTGAGGAGCCTCTTCTACCAGGCATCACA-3'

ClinVar aggregate classification (germline): Pathogenic. Review status: criteria provided, multiple submitters, no conflicts (2 of 4 stars). 2 submissions from 2 submitters: Pathogenic (2). Last evaluated 2021-01-20.

Conditions:
Familial X-linked hypophosphatemic vitamin D refractory rickets (XLHRD). Also called: X-Linked Hypophosphatemia; Hypophosphatemic Rickets, X-Linked Dominant; HYPOPHOSPHATEMIC VITAMIN D-RESISTANT RICKETS; Hypophosphatemia, vitamin D-resistant rickets; Vitamin D-resistant rickets, X-linked. Identifiers: Orphanet 89936, MedGen C0733682, MONDO:0010619, OMIM 307800.

Submissions (3):

Labcorp Genetics (formerly Invitae), Labcorp
Classification: Pathogenic. Last evaluated: 2021-01-20. Review status: criteria provided, single submitter. Criteria: Invitae Variant Classification Sherloc (09022015). Collection method: clinical testing. Allele origin: germline.
Comment: For these reasons, this variant has been classified as Pathogenic. This variant has been observed in individual(s) with hypophosphatemia (Invitae). ClinVar contains an entry for this variant (Variation ID: 438575). This variant is not present in population databases (ExAC no frequency). This sequence change creates a premature translational stop signal (p.Tyr657*) in the PHEX gene. It is expected to result in an absent or disrupted protein product. Loss-of-function variants in PHEX are known to be pathogenic (PMID: 9097956, 9106524, 19219621).

Institute of Human Genetics Munich, TUM University Hospital
Classification: Pathogenic for Familial X-linked hypophosphatemic vitamin D refractory rickets. Last evaluated: 2015-04-15. Review status: criteria provided, single submitter. Criteria: Classification criteria August 2017. Collection method: clinical testing. Allele origin: germline. Inheritance: X-linked inheritance. Affected: yes. Observed: 1 heterozygote.

Dr. Peter K. Rogan Lab, Western University
No classification provided (evidence only). Condition: Nonpapillary renal cell carcinoma. Review status: no classification provided. Collection method: in vitro. Allele origin: not applicable. Functional consequence: retained intron. Not counted in ClinVar's aggregate classification.

Literature cited by the submitters: PubMed 9097956 (cited by Labcorp Genetics (formerly Invitae), Labcorp); PubMed 9106524 (cited by Labcorp Genetics (formerly Invitae), Labcorp); PubMed 19219621 (cited by Labcorp Genetics (formerly Invitae), Labcorp).